The following is an entry in ClinVar:

ClinVar aggregate classification (germline): Uncertain significance (1 of 4 stars; one submission).

Conditions:
Von Hippel-Lindau syndrome (VHLS). Also called: Von Hippel-Lindau; VHL syndrome; von Hippel–Lindau syndrome. Identifiers: Orphanet 892, MedGen C0019562, MONDO:0008667, OMIM 193300. Disease mechanism: loss of function.
Chuvash polycythemia. Also called: POLYCYTHEMIA, VHL-DEPENDENT. Identifiers: Orphanet 238557, MedGen C1837915, MONDO:0009892, OMIM 263400.

Allele frequency attached by ClinVar (database versions not stated): gnomAD exomes below 0.00001.
gnomAD v4.1: 1 of 1,597,022 alleles (0.000063%); highest among the groups gnomAD compares: African/African-American, 0.0013%; no homozygotes.

Submission:

Labcorp Genetics (formerly Invitae), Labcorp
Classification: Uncertain significance for Von Hippel-Lindau syndrome; Chuvash polycythemia. Last evaluated: 2022-10-05. Review status: criteria provided, single submitter. Criteria: Invitae Variant Classification Sherloc (09022015). Collection method: clinical testing. Allele origin: germline.
Comment: In summary, the available evidence is currently insufficient to determine the role of this variant in disease. Therefore, it has been classified as a Variant of Uncertain Significance. Variants that disrupt the consensus splice site are a relatively common cause of aberrant splicing (PMID: 17576681, 9536098). Algorithms developed to predict the effect of sequence changes on RNA splicing suggest that this variant is not likely to affect RNA splicing. This variant has not been reported in the literature in individuals affected with VHL-related conditions. This variant is not present in population databases (gnomAD no frequency). This sequence change falls in intron 1 of the VHL gene. It does not directly change the encoded amino acid sequence of the VHL protein. It affects a nucleotide within the consensus splice site.

Literature cited by the submitters: PubMed 17576681; PubMed 9536098.

NM_000551.4(VHL):c.340+4C>G

Gene: VHL (von Hippel-Lindau tumor suppressor; plus strand). Cytogenetic location: 3p25.3.
Variant type: single nucleotide variant.
Coding change: c.340+4C>G on transcript NM_000551.4 (MANE Select); 4 bases into the intron after coding-DNA position 340, C replaced by G.
Molecular consequence: intron variant.
Genome position (GRCh38, 1-based): chr3:10,142,191, C>G. VCF-style: chr3-10142191-C-G. GRCh37 (hg19) VCF-style: chr3-10183875-C-G.
Other names: c.340+4C>G (NM_001354723.2, NM_198156.3).
Identifiers: ClinVar variation 1920356 (VCV001920356.5), dbSNP rs2125125426, ClinGen allele CA2580068413.